The following is an entry in ClinVar:

NM_002334.4(LRP4):c.3344A>G (p.His1115Arg)

Gene: LRP4 (LDL receptor related protein 4; minus strand). Cytogenetic location: 11p11.2.
Variant type: single nucleotide variant.
Coding change: c.3344A>G on transcript NM_002334.4 (MANE Select); coding-DNA position 3344, A replaced by G.
Protein change: p.His1115Arg; replaces histidine 1115 with arginine.
Molecular consequence: missense variant.
Genome position (GRCh38, 1-based): chr11:46,876,764, T>C on the plus strand (A>G on the coding strand, the complement: LRP4 is on the minus strand). VCF-style: chr11-46876764-T-C. GRCh37 (hg19) VCF-style: chr11-46898315-T-C.
Other names: c.3344A>G (NM_002334.3); short protein forms H1115R.
Identifiers: ClinVar variation 1511030 (VCV001511030.4), dbSNP rs758144252, ClinGen allele CA5969628.

ClinVar aggregate classification (germline): Uncertain significance. Review status: criteria provided, multiple submitters, no conflicts (2 of 4 stars). 2 submissions from 2 submitters: Uncertain significance (2). Last evaluated 2025-11-06.

Conditions:
Congenital myasthenic syndrome 17. Identifiers: Orphanet 590, MedGen C4225377, MONDO:0014578, OMIM 616304.
Sclerosteosis 2 (SOST2). Identifiers: Orphanet 3152, MedGen C3280402, MONDO:0013679, OMIM 614305.
Cenani-Lenz syndactyly syndrome. Also called: SYNDACTYLY, TYPE VII; CENANI SYNDACTYLISM. Identifiers: Orphanet 3258, MedGen C1859309, MONDO:0008931, OMIM 212780.
Inborn genetic diseases. Identifiers: MedGen C0950123, MeSH D030342.

Allele frequency attached by ClinVar (database versions not stated): gnomAD exomes 0.00001 and below 0.00001; gnomAD 0.00003; ExAC 0.00002; TOPMed 0.00005.
gnomAD v4.1: 10 of 1,614,070 alleles (0.00062%); highest among the groups gnomAD compares: African/African-American, 0.012%; no homozygotes.

Submissions (2):

Ambry Genetics
Classification: Uncertain significance for Inborn genetic diseases. Last evaluated: 2025-11-06. Review status: criteria provided, single submitter. Criteria: Ambry Variant Classification Scheme 2023. Collection method: clinical testing. Allele origin: germline.

Labcorp Genetics (formerly Invitae), Labcorp
Classification: Uncertain significance for Cenani-Lenz syndactyly syndrome; Sclerosteosis 2; Congenital myasthenic syndrome 17. Last evaluated: 2022-03-18. Review status: criteria provided, single submitter. Criteria: Invitae Variant Classification Sherloc (09022015). Collection method: clinical testing. Allele origin: germline.
Comment: This sequence change replaces histidine, which is basic and polar, with arginine, which is basic and polar, at codon 1115 of the LRP4 protein (p.His1115Arg). This variant is present in population databases (rs758144252, gnomAD 0.01%). This variant has not been reported in the literature in individuals affected with LRP4-related conditions. Algorithms developed to predict the effect of missense changes on protein structure and function (SIFT, PolyPhen-2, Align-GVGD) all suggest that this variant is likely to be tolerated. Algorithms developed to predict the effect of sequence changes on RNA splicing suggest that this variant may create or strengthen a splice site. In summary, the available evidence is currently insufficient to determine the role of this variant in disease. Therefore, it has been classified as a Variant of Uncertain Significance.